The following is an entry in ClinVar:

ClinVar aggregate classification (germline): Likely benign (0 of 4 stars; one submission).

Conditions:
EEF1D-related disorder. Also called: EEF1D-related condition.

Allele frequency attached by ClinVar (database versions not stated): ExAC 0.00015; ESP Exome Variant Server 0.00038; gnomAD 0.00039; TOPMed 0.00045.
gnomAD v4.1: 126 of 1,613,344 alleles (0.0078%); highest among the groups gnomAD compares: African/African-American, 0.15%; no homozygotes.

Submission:

PreventionGenetics, part of Exact Sciences
Classification: Likely benign for EEF1D-related condition. Last evaluated: 2019-10-28. Review status: no assertion criteria provided. Collection method: clinical testing. Allele origin: germline.
Comment: This variant is classified as likely benign based on ACMG/AMP sequence variant interpretation guidelines (Richards et al. 2015 PMID: 25741868, with internal and published modifications).

NM_001130053.5(EEF1D):c.1725G>A (p.Thr575=)

Gene: EEF1D (eukaryotic translation elongation factor 1 delta; minus strand). Cytogenetic location: 8q24.3.
Variant type: single nucleotide variant.
Coding change: c.1725G>A on transcript NM_001130053.5 (MANE Select); coding-DNA position 1725, G replaced by A.
Protein change: p.Thr575=; no amino-acid change (threonine 575 retained).
Molecular consequence: synonymous variant.
Genome position (GRCh38, 1-based): chr8:143,580,192, C>T on the plus strand (G>A on the coding strand, the complement: EEF1D is on the minus strand). VCF-style: chr8-143580192-C-T. GRCh37 (hg19) VCF-style: chr8-144662362-C-T.
Other names: c.627G>A, p.Thr209= (NM_001960.7, NM_001130057.4, NM_001289950.4 and 1 more transcripts); c.1725G>A, p.Thr575= (NM_032378.7); c.555G>A, p.Thr185= (NM_001130056.5, NM_001317743.4, NM_001330646.3); c.570G>A, p.Thr190= (NM_001195203.4).
Identifiers: ClinVar variation 3040628 (VCV003040628.2), dbSNP rs145499695, ClinGen allele CA4913379.